The following is an entry in ClinVar:

ClinVar aggregate classification (germline): Pathogenic (1 of 4 stars; one submission).

Conditions:
Familial cancer of breast. Also called: BREAST CANCER, FAMILIAL; hereditary breast carcinoma; Hereditary breast cancer. Identifiers: Orphanet 227535, MedGen C0346153, MONDO:0016419, OMIM 114480. Disease mechanism: loss of function.

Submission:

Myriad Genetics, Inc.
Classification: Pathogenic for Familial cancer of breast. Last evaluated: 2023-06-23. Review status: criteria provided, single submitter. Criteria: Myriad Autosomal Dominant, Autosomal Recessive and X-Linked Classification Criteria (2023). Collection method: clinical testing. Allele origin: unknown.
Comment: This variant is considered pathogenic. This variant creates a frameshift predicted to result in premature protein truncation.

NM_007194.4(CHEK2):c.402delinsAA (p.Asp134fs)

Gene: CHEK2 (checkpoint kinase 2; minus strand). Cytogenetic location: 22q12.1.
Variant type: Indel.
Coding change: c.402delinsAA on transcript NM_007194.4 (MANE Select); coding-DNA position 402, T replaced by AA.
Protein change: p.Asp134fs; shifts the reading frame from aspartic acid 134.
Molecular consequence: frameshift variant.
Genome position (GRCh38, 1-based): chr22:28,725,285, A replaced by TT on the plus strand (T replaced by AA on the coding strand, the reverse complement: CHEK2 is on the minus strand). VCF-style: chr22-28725285-A-TT. GRCh37 (hg19) VCF-style: chr22-29121273-A-TT.
Other names: c.531delTinsAA, p.Asp177Glufs (NM_001005735.3); c.-376delTinsAA (NM_001257387.3); c.402delTinsAA, p.Asp134Glufs (NM_001349956.3, NM_145862.3); short protein forms D134fs, D177fs.
Identifiers: ClinVar variation 2584190 (VCV002584190.2), dbSNP rs2518059191, ClinGen allele CA2582342800.